The following is an entry in ClinVar:

ClinVar aggregate classification (germline): Benign/Likely benign. Review status: criteria provided, multiple submitters, no conflicts (2 of 4 stars). 4 submissions from 4 submitters: Benign (2); Likely benign (1). 1 of the submissions does not count toward it. Last evaluated 2025-03-18.

Conditions:
PLCB4-related disorder. Also called: PLCB4-related condition.
Auriculocondylar syndrome 2 (ARCND2A). Also called: AURICULOCONDYLAR SYNDROME 2A. Identifiers: Orphanet 137888, MedGen C3553404, MONDO:0013845, OMIM 614669.

Allele frequency attached by ClinVar (database versions not stated): gnomAD exomes 0.00058; ExAC 0.00077; ESP Exome Variant Server 0.00215; 1000 Genomes Project 0.00220; 1000 Genomes Project 30x 0.00234; gnomAD 0.00253 and 0.00275; TOPMed 0.00314.
gnomAD v4.1: 701 of 1,586,666 alleles (0.044%); highest among the groups gnomAD compares: African/African-American, 0.84%; 8 homozygotes.

Submissions (4):

Labcorp Genetics (formerly Invitae), Labcorp
Classification: Benign. Last evaluated: 2025-03-18. Review status: criteria provided, single submitter. Criteria: Invitae Variant Classification Sherloc (09022015). Collection method: clinical testing. Allele origin: germline.

Blueprint Genetics
Classification: Likely benign. Last evaluated: 2024-11-25. Review status: criteria provided, single submitter. Criteria: ACMG Guidelines, 2015. Collection method: clinical testing. Allele origin: germline.

Illumina Laboratory Services, Illumina
Classification: Benign for Auriculocondylar syndrome 2. Last evaluated: 2018-01-13. Review status: criteria provided, single submitter. Criteria: ICSL Variant Classification Criteria 13 December 2019. Collection method: clinical testing. Allele origin: germline.
Comment: This variant was observed in the ICSL laboratory as part of a predisposition screen in an ostensibly healthy population. It had not been previously curated by ICSL or reported in the Human Gene Mutation Database (HGMD: prior to June 1st, 2018), and was therefore a candidate for classification through an automated scoring system. Utilizing variant allele frequency, disease prevalence and penetrance estimates, and inheritance mode, an automated score was calculated to assess if this variant is too frequent to cause the disease. Based on the score and internal cut-off values, a variant classified as benign is not then subjected to further curation. The score for this variant resulted in a classification of benign for this disease.

PreventionGenetics, part of Exact Sciences
Classification: Benign for PLCB4-related condition. Last evaluated: 2024-03-05. Review status: no assertion criteria provided. Collection method: clinical testing. Allele origin: germline. Not counted in ClinVar's aggregate classification.
Comment: This variant is classified as benign based on ACMG/AMP sequence variant interpretation guidelines (Richards et al. 2015 PMID: 25741868, with internal and published modifications).

NM_001377142.1(PLCB4):c.2052-7C>T

Gene: PLCB4 (phospholipase C beta 4; plus strand). Cytogenetic location: 20p12.2.
Variant type: single nucleotide variant.
Coding change: c.2052-7C>T on transcript NM_001377142.1 (MANE Select); 7 bases into the intron before coding-DNA position 2052, C replaced by T.
Molecular consequence: intron variant.
Genome position (GRCh38, 1-based): chr20:9,419,800, C>T. VCF-style: chr20-9419800-C-T. GRCh37 (hg19) VCF-style: chr20-9400447-C-T.
Other names: c.2016-7C>T (NM_001377134.2, NM_000933.4, NM_182797.3 and 2 more transcripts); c.2052-7C>T (NM_001377143.1, NM_001172646.2).
Identifiers: ClinVar variation 339572 (VCV000339572.14), dbSNP rs185396159, ClinGen allele CA9761290.
Genomic context (GRCh38, chr20:9,419,800, plus strand): 5'-TTCAACTAGCGAGTGTTTTAGTCTTTGTAAAACCTACTAATAAACTTCTATGCTATTGTC[C>T]TACCAGGTACCTTCTCAAACCAGATTTCATGAGGCGGCCTGATCGAACATTTGACCCCTT-3'